The following is an entry in ClinVar:

ClinVar aggregate classification (germline): Likely pathogenic. Review status: reviewed by expert panel (3 of 4 stars). 9 submissions from 8 submitters: Likely pathogenic (1). 8 of the submissions do not count toward it. Last evaluated 2023-01-23.

Conditions:
MT-TE-associated disorder.
Primary Mitochondrial Disorders. Identifiers: MedGen CN381104.
Mitochondrial disease. Also called: Mitochondrial disorder; Mitochondrial disorders. Identifiers: Orphanet 68380, MedGen C0751651, MeSH D028361, MONDO:0044970.
MT-TE-related disorder.
MELAS syndrome (MELAS). Also called: Juvenile myopathy, encephalopathy, lactic acidosis, stroke. Identifiers: Orphanet 550, MedGen C0162671, MONDO:0010789, OMIM 540000.
Inborn mitochondrial myopathy. Also called: Mitochondrial myopathy; Mitochondrial Myopathies. Identifiers: Orphanet 206966, MedGen C0162670, MONDO:0009637, HP:0003737.
Myopathy, mitochondrial, with diabetes mellitus. Identifiers: MedGen C4016608.
Diabetes-deafness syndrome maternally transmitted (MIDD). Also called: Ballinger Wallace syndrome; Diabetes mellitus type II with deafness; NIDDM WITH DEAFNESS; NONINSULIN-DEPENDENT DIABETES MELLITUS WITH DEAFNESS; Maternally-inherited diabetes and deafness. Identifiers: Orphanet 225, MedGen C0342289, MONDO:0010785, OMIM 520000.

Submissions (9):

ClinGen Mitochondrial Disease Nuclear and Mitochondrial  Variant Curation Expert Panel, ClinGen
Classification: Likely pathogenic for Mitochondrial disease. Last evaluated: 2023-01-23. Review status: reviewed by expert panel. Criteria: McCormick et al. (Hum Mutat. 2020). Collection method: curation. Allele origin: germline. Inheritance: Mitochondrial inheritance.
Comment: The m.14709T>C variant in MT-TE has been reported in at least 39 affected individuals from 20 kindreds (PMIDs: 7726155, 7726154, 9353617, 10392369, 11437868, 15048886, 15880407, 15607216, 17161635, 17891417, 20045353, 26469001, 26885883, 29941710, 32313153, 33304817, 32948797; web story; PS4). Age of onset ranged from shortly after birth to 50s, although there are some reports of decreased fetal movements and hydrops fetalis. Features in affected individuals include myopathy, diabetes, pulmonary hypertension, ataxia, neuropathy, global developmental delay, dysarthria, hearing loss, hypertrophic cardiomyopathy, and dilated cardiomyopathy. Furthermore, this variant has been reported in some individuals with mitochondrial encephalomyopathy, lactic acidosis, and stroke-like episodes (MELAS)/Leigh syndrome spectrum overlap and myoclonic epilepsy with ragged red fibers (MERRF). Muscle biopsies in affected individuals showed ragged red fibers, COX deficiency, and reduced respiratory chain enzyme activities. The variant was present at variable levels in affected and unaffected individuals. Some healthy family members had the variant present at homoplasmy, however heteroplasmy levels were generally higher in more severely affected individuals. The variant was present at 78% to homoplasmy in muscle and was variable among tissues from the same individual. There are no reported de novo occurrences to our knowledge. The variant segregates with manifestations in several families (PMIDs: 7726155, 7726154, 9353617, 10392369, 11437868, 15607216, 17161635, 17891417, 20045353; PP1_moderate). The computational predictor MitoTIP suggests this variant is pathogenic (56.2 percentile) and HmtVAR predicts it to be pathogenic score of 0.9 (PP3). There is one occurrence in the GenBank population database, and the variant is absent in the Helix dataset and gnomAD v.3.1.2. Although there is one occurrence, the frequency is still low (PM2_supporting). Single fiber testing showed higher levels of heteroplasmy in COX-negative fibers (97.4 ± 3.5%; n=16) than in COX-positive fibers (89.6 ± 9.3%; n=15; P<0.004; PMID: 7726154), and cybrid studies, Northern blot analyses, and protein synthesis assays further support the functional impact of this variant (PMIDs: 15048886, 7726155, 12393175; PS3_supporting). In summary, this variant meets criteria to be classified as likely pathogenic for primary mitochondrial disease inherited in a mitochondrial manner. This classification was approved by the NICHD/NINDS U24 ClinGen Mitochondrial Disease Variant Curation Expert Panel on January 23, 2023. Mitochondrial DNA-specific ACMG/AMP criteria applied (PMID: 32906214): PS4, PP1_moderate, PM2_supporting, PP3, PS3_supporting.

Variantyx, Inc.
Classification: Likely pathogenic for Primary mitochondrial disorders. Last evaluated: 2025-12-11. Review status: criteria provided, single submitter. Criteria: Variantyx Assertion Criteria 2022. Collection method: clinical testing. Allele origin: germline. Affected: yes. Not counted in ClinVar's aggregate classification.
Comment: The m.14709T>C change is a variant in the MT-TE gene which encodes the mitochondrial transfer RNA for glutamic acid. Pathogenic variants in this gene have been associated with primary mitochondrial disorders. This variant has been reported in several unrelated affected individuals (PMID: 7726155, 15048886, 7726154, 9353617, 10392369, 11437868, 17891417, 20045353, 26469001, 26885883, 29941710, 32313153, 33304817, 15607216) (PS4) and it has been observed to segregate with disease in at least 8 individuals from 4 families. Unaffected family members may have lower to undetectable levels of the variant (PMID: 15048886, 10392369, 11437868, 15607216) (PP1). Functional studies demonstrate a deleterious effect for this variant (PMID: 7726154 ) (PS3) and computational algorithms support a deleterious effect on the gene or gene product (Aggregate Predicted Severity Score: 0.83) (PP3). This variant is absent from control populations (PM2). Other reputable laboratories have reported this variant as pathogenic or likely pathogenic, and this classification has been validated by an expert panel in ClinVar . Based on the current evidence, this variant is classified as likely pathogenic for primary mitochondrial disorders.

3billion
Classification: Likely pathogenic for MT-TE-related disorder. Last evaluated: 2025-11-24. Review status: criteria provided, single submitter. Criteria: ACMG Guidelines, 2015. Collection method: clinical testing. Allele origin: germline. Affected: yes. Not counted in ClinVar's aggregate classification.
Comment: The variant is not observed in the gnomAD v4.1.0 dataset. Predicted Consequence/Location: Mitochondrial variant In silico tool predictions suggest damaging effect of the variant on gene or gene product [MitoTIP: 13.03 (>= 12.65)]. The variant has been reported at least twice as pathogenic with clinical assertions and evidence for the classification (ClinVar ID: VCV000009617). Therefore, this variant is classified as Likely pathogenic according to the recommendation of ACMG/AMP guideline.

Institute of Human Genetics Munich, TUM University Hospital
Classification: Likely pathogenic for MT-TE-associated disorder. Last evaluated: 2022-04-26. Review status: criteria provided, single submitter. Criteria: Classification criteria August 2017. Collection method: clinical testing. Allele origin: maternal. Inheritance: Autosomal dominant inheritance. Affected: yes. Observed: 1 variant allele. Not counted in ClinVar's aggregate classification.

Wong Mito Lab, Molecular and Human Genetics, Baylor College of Medicine
Classification: Likely pathogenic for MELAS syndrome. Last evaluated: 2019-07-12. Review status: criteria provided, single submitter. Criteria: Modified ACMG Guidelines (Unpublished). Collection method: clinical testing. Allele origin: germline. Not counted in ClinVar's aggregate classification.
Comment: The NC_012920.1:m.14709T>C variant in MT-TE gene is interpreted to be a Likely Pathogenic variant based on the modified ACMG guidelines (unpublished). This variant meets the following evidence codes reported in the guidelines: PS5, PP3, PP4, PP6

Kids Research, The Children's Hospital at Westmead
Classification: Pathogenic for Inborn mitochondrial myopathy. Review status: criteria provided, single submitter. Criteria: ACMG Guidelines, 2015. Collection method: research. Allele origin: unknown. Affected: yes. Not counted in ClinVar's aggregate classification.

Mitochondrial Research Group, Newcastle University
Classification: Pathogenic for Mitochondrial disease. Last evaluated: 2017-05-22. Review status: no assertion criteria provided. Collection method: clinical testing. Allele origin: germline. Affected: yes. Observed: 1 variant allele. Not counted in ClinVar's aggregate classification.

OMIM
Classification: Pathogenic for MYOPATHY, MITOCHONDRIAL, WITH DIABETES MELLITUS. Last evaluated: 2004-04-01. Review status: no assertion criteria provided. Collection method: literature only. Allele origin: germline. Not counted in ClinVar's aggregate classification.

OMIM
Classification: Pathogenic for DIABETES AND DEAFNESS, MATERNALLY INHERITED. Last evaluated: 2004-04-01. Review status: no assertion criteria provided. Collection method: literature only. Allele origin: germline. Not counted in ClinVar's aggregate classification.

Literature cited by the submitters: PubMed 7726154 (cited by 3 submitters); PubMed 12393175 (cited by ClinGen Mitochondrial Disease Nuclear and Mitochondrial  Variant Curation Expert Panel, ClinGen and OMIM); PubMed 15048886 (cited by ClinGen Mitochondrial Disease Nuclear and Mitochondrial  Variant Curation Expert Panel, ClinGen and OMIM); PubMed 7726155 (cited by ClinGen Mitochondrial Disease Nuclear and Mitochondrial  Variant Curation Expert Panel, ClinGen and OMIM); PubMed 31965079 (cited by Wong Mito Lab, Molecular and Human Genetics, Baylor College of Medicine); PubMed 32313153 (cited by Kids Research, The Children's Hospital at Westmead); PubMed 4114165 (cited by OMIM); PubMed 9353617 (cited by OMIM); PubMed 10392369 (cited by OMIM); PubMed 11437868 (cited by OMIM).

NC_012920.1(MT-TE):m.14709T>C

Gene: MT-TE (mitochondrially encoded tRNA glutamic acid; minus strand).
Variant type: single nucleotide variant.
Genome position: chrM-14709-T-C.
Other names: MT-TE m.14709T>C; 14709T-C.
Identifiers: ClinVar variation 9617 (VCV000009617.8), dbSNP rs121434453, ClinGen allele CA120580.